The following is an entry in ClinVar:

NM_001371904.1(APOA5):c.118A>G (p.Arg40Gly)

Genes: APOA5 (apolipoprotein A5; minus strand), LOC108491825 (enhancer-blocking element 11-1-2 overlapping APOA5; plus strand). Cytogenetic location: 11q23.3.
Variant type: single nucleotide variant.
Coding change: c.118A>G on transcript NM_001371904.1 (MANE Select); coding-DNA position 118, A replaced by G.
Protein change: p.Arg40Gly; replaces arginine 40 with glycine.
Molecular consequence: missense variant.
Genome position (GRCh38, 1-based): chr11:116,791,629, T>C on the plus strand (A>G on the coding strand, the complement: APOA5 is on the minus strand). VCF-style: chr11-116791629-T-C. GRCh37 (hg19) VCF-style: chr11-116662345-T-C.
Other names: c.118A>G, p.Arg40Gly (NM_001166598.2, NM_052968.5); short protein forms R40G.
Identifiers: ClinVar variation 387939 (VCV000387939.4), dbSNP rs1057522953, ClinGen allele CA16606153.
Genomic context (GRCh38, chr11:116,791,629, plus strand): 5'-TTCCCCTGGGCACTCACGCGGGCTCGCGAGCCATCTTCTGCTGATGGATCTGCTCCACCC[T>C]GCCTTTGTCCCCGCTGGTCTGGCTGAAGTAGTCCCAGAAGCCTTTCCGTGCCTGGGTGGC-3'
Protein context (NP_001358833.1, residues 30-50): YFSQTSGDKG[Arg40Gly]VEQIHQQKMA

ClinVar aggregate classification (germline): Uncertain significance. Review status: criteria provided, multiple submitters, no conflicts (2 of 4 stars). 2 submissions from 2 submitters: Uncertain significance (2). Last evaluated 2024-03-06.

Conditions:
Cardiovascular phenotype. Identifiers: MedGen CN230736.

Allele frequency attached by ClinVar (database versions not stated): gnomAD 0.00001; gnomAD exomes 0.00001; TOPMed 0.00002.

Submissions (2):

Ambry Genetics
Classification: Uncertain significance for Cardiovascular phenotype. Last evaluated: 2024-03-06. Review status: criteria provided, single submitter. Criteria: Ambry Variant Classification Scheme 2023. Collection method: clinical testing. Allele origin: germline.
Comment: The p.R40G variant (also known as c.118A>G), located in coding exon 2 of the APOA5 gene, results from an A to G substitution at nucleotide position 118. The arginine at codon 40 is replaced by glycine, an amino acid with dissimilar properties. This amino acid position is conserved. In addition, this alteration is predicted to be tolerated by in silico analysis. Since supporting evidence is limited at this time, the clinical significance of this alteration remains unclear.

GeneDx
Classification: Uncertain significance. Last evaluated: 2016-07-26. Review status: criteria provided, single submitter. Criteria: GeneDx Variant Classification (06012015). Collection method: clinical testing. Allele origin: germline. Affected: yes.
Comment: The R40G variant in the APOA5 gene has not been reported previously as a pathogenic variant, nor as a benign variant, to our knowledge. The R40G variant was not observed in approximately 6,500 individuals of European and African American ancestry in the NHLBI Exome Sequencing Project, indicating it is not a common benign variant in these populations. The R40G variant is a non-conservative amino acid substitution, which is likely to impact secondary protein structure as these residues differ in polarity, charge, size and/or other properties. However, this substitution occurs at a position that is not conserved, and in silico analysis predicts this variant likely does not alter the protein structure/function. We interpret R40G as a variant of uncertain significance.